The following is an entry in ClinVar:

ClinVar aggregate classification (germline): Uncertain significance (1 of 4 stars; one submission).

Conditions:
Ichthyosis linearis circumflexa. Identifiers: MedGen C0265962, MONDO:0043106, HP:0025810.

Submission:

Labcorp Genetics (formerly Invitae), Labcorp
Classification: Uncertain significance for Ichthyosis linearis circumflexa. Last evaluated: 2022-10-26. Review status: criteria provided, single submitter. Criteria: Invitae Variant Classification Sherloc (09022015). Collection method: clinical testing. Allele origin: germline.
Comment: In summary, the available evidence is currently insufficient to determine the role of this variant in disease. Therefore, it has been classified as a Variant of Uncertain Significance. Algorithms developed to predict the effect of missense changes on protein structure and function are either unavailable or do not agree on the potential impact of this missense change (SIFT: "Not Available"; PolyPhen-2: "Benign"; Align-GVGD: "Not Available"). ClinVar contains an entry for this variant (Variation ID: 1347334). This variant has not been reported in the literature in individuals affected with SPINK5-related conditions. Information on the frequency of this variant in the gnomAD database is not available, as this variant may be reported differently in the database. This sequence change replaces valine, which is neutral and non-polar, with alanine, which is neutral and non-polar, at codon 553 of the SPINK5 protein (p.Val553Ala).

NM_006846.4(SPINK5):c.1658_1659delinsCT (p.Val553Ala)

Gene: SPINK5 (serine peptidase inhibitor Kazal type 5; plus strand). Cytogenetic location: 5q32.
Variant type: Indel.
Coding change: c.1658_1659delinsCT on transcript NM_006846.4 (MANE Select); coding-DNA positions 1658 to 1659, TC replaced by CT.
Protein change: p.Val553Ala; replaces valine 553 with alanine.
Molecular consequence: missense variant.
Genome position (GRCh38, 1-based): chr5:148,108,803-148,108,804, TC replaced by CT. VCF-style: chr5-148108803-TC-CT. GRCh37 (hg19) VCF-style: chr5-147488366-TC-CT.
Other names: c.1658_1659delinsCT, p.Val553Ala (NM_001127698.2, NM_001127699.2); short protein forms V553A.
Identifiers: ClinVar variation 1347334 (VCV001347334.6), dbSNP rs2113146992, ClinGen allele CA2573139242.
Genomic context (GRCh38, chr5:148,108,803, plus strand): 5'-TCTATTACAGCAAACTTGAAGAAGAAGAGAAGAAAAATGATAAAGAAGAAAAAGGGAAAG[TC>CT]GAGGCTGAAAAAGTTAAGAGAGAAGCAGTTCAGGTAGTTGTTTGAGATCATCAGAGCCAC-3'
Protein context (NP_006837.2, residues 543-563): KKNDKEEKGK[Val553Ala]EAEKVKREAV